The following is an entry in ClinVar:

NM_003482.4(KMT2D):c.7417C>T (p.Gln2473Ter)

Gene: KMT2D (lysine methyltransferase 2D; minus strand). Cytogenetic location: 12q13.12.
Variant type: single nucleotide variant.
Coding change: c.7417C>T on transcript NM_003482.4 (MANE Select); coding-DNA position 7417, C replaced by T.
Protein change: p.Gln2473Ter; replaces glutamine 2473 with a stop codon.
Molecular consequence: nonsense.
Genome position (GRCh38, 1-based): chr12:49,040,353, G>A on the plus strand (C>T on the coding strand, the complement: KMT2D is on the minus strand). VCF-style: chr12-49040353-G-A. GRCh37 (hg19) VCF-style: chr12-49434136-G-A.
Other names: short protein forms Q2473*.
Identifiers: ClinVar variation 3382726 (VCV003382726.2).

ClinVar aggregate classification (germline): Pathogenic (1 of 4 stars; one submission).

Conditions:
Choanal atresia-athelia-hypothyroidism-delayed puberty-short stature syndrome (BCAHH). Also called: BRANCHIAL ARCH ABNORMALITIES, CHOANAL ATRESIA, ATHELIA, HEARING LOSS, AND HYPOTHYROIDISM SYNDROME. Identifiers: Orphanet 589856, MedGen C5680310, MONDO:0035651, OMIM 620186.
Kabuki syndrome 1 (KABUK1). Also called: KMT2D-Related Kabuki Syndrome. Identifiers: Orphanet 2322, MedGen CN030661, MONDO:0007843, OMIM 147920.

Submission:

Juno Genomics, Hangzhou Juno Genomics, Inc
Classification: Pathogenic for Choanal atresia-athelia-hypothyroidism-delayed puberty-short stature syndrome; Kabuki syndrome 1. Review status: criteria provided, single submitter. Criteria: ACMG Guidelines, 2015. Collection method: clinical testing. Allele origin: germline. Affected: yes.
Comment: Absent from controls (or at extremely low frequency if recessive) in Genome Aggregation Database, Exome Sequencing Project, 1000 Genomes Project, or Exome Aggregation Consortium.;Null variant in a gene where loss of function (LOF) is a known mechanism of disease.;De novo (both maternity and paternity confirmed) in a patient with the disease and no family history.